The following is an entry in ClinVar:

NM_006767.4(LZTR1):c.594-1G>C

Gene: LZTR1 (leucine zipper like post translational regulator 1; plus strand). Cytogenetic location: 22q11.21.
Variant type: single nucleotide variant.
Coding change: c.594-1G>C on transcript NM_006767.4 (MANE Select); the canonical splice acceptor site of the intron before coding-DNA position 594, G replaced by C.
Molecular consequence: splice acceptor variant.
Genome position (GRCh38, 1-based): chr22:20,989,624, G>C. VCF-style: chr22-20989624-G-C. GRCh37 (hg19) VCF-style: chr22-21343913-G-C.
Identifiers: ClinVar variation 1750626 (VCV001750626.8), dbSNP rs1401166273, ClinGen allele CA410780265.

ClinVar aggregate classification (germline): Pathogenic/Likely pathogenic. Review status: criteria provided, multiple submitters, no conflicts (2 of 4 stars). 4 submissions from 4 submitters: Pathogenic (1); Likely pathogenic (3). Last evaluated 2025-09-10.

Conditions:
Hereditary cancer-predisposing syndrome. Also called: Tumor predisposition; Hereditary Cancer Syndrome; Neoplastic Syndromes, Hereditary; Hereditary neoplastic syndrome. Identifiers: Orphanet 140162, MedGen C0027672, MeSH D009386, MONDO:0015356.
Cardiovascular phenotype. Identifiers: MedGen CN230736.
LZTR1-related schwannomatosis. Also called: Schwannomatosis 2; Schwannomatosis-2, susceptibility to. Identifiers: Orphanet 93921, MedGen C3810283, MONDO:0014299, OMIM 615670.
Noonan syndrome 2 (NS2). Identifiers: Orphanet 648, MedGen C1854469, MONDO:0011531, OMIM 605275.
Noonan syndrome 10 (NS10). Identifiers: Orphanet 648, MedGen C4225280, MONDO:0014693, OMIM 616564.

Allele frequency attached by ClinVar (database versions not stated): gnomAD exomes below 0.00001.
gnomAD v4.1: 1 of 1,613,632 alleles (0.000062%); highest among the groups gnomAD compares: Non-Finnish European, 0.000085%; no homozygotes.

Submissions (4):

Labcorp Genetics (formerly Invitae), Labcorp
Classification: Likely pathogenic. Last evaluated: 2025-09-10. Review status: criteria provided, single submitter. Criteria: Invitae Variant Classification Sherloc (09022015). Collection method: clinical testing. Allele origin: germline.
Comment: This sequence change affects an acceptor splice site in intron 6 of the LZTR1 gene. It is expected to disrupt RNA splicing. Variants that disrupt the donor or acceptor splice site typically lead to a loss of protein function (PMID: 16199547), and loss-of-function variants in LZTR1 are known to be pathogenic (PMID: 24362817, 25335493, 25480913, 25795793, 29469822, 30368668, 30442762, 30442766, 30481304, 30859559). This variant is present in population databases (no rsID available, gnomAD no frequency). This variant has not been reported in the literature in individuals affected with LZTR1-related conditions. ClinVar contains an entry for this variant (Variation ID: 1750626). Algorithms developed to predict the effect of sequence changes on RNA splicing suggest that this variant may disrupt the consensus splice site. In summary, the currently available evidence indicates that the variant is pathogenic, but additional data are needed to prove that conclusively. Therefore, this variant has been classified as Likely Pathogenic.

Revvity Omics, Revvity
Classification: Likely pathogenic. Last evaluated: 2024-08-16. Review status: criteria provided, single submitter. Criteria: ACMG Guidelines, 2015. Collection method: clinical testing. Allele origin: germline.

Ambry Genetics
Classification: Pathogenic for Cardiovascular phenotype; Hereditary cancer-predisposing syndrome. Last evaluated: 2023-11-16. Review status: criteria provided, single submitter. Criteria: Ambry Variant Classification Scheme 2023. Collection method: clinical testing. Allele origin: germline.
Comment: The c.594-1G>C intronic pathogenic mutation results from a G to C substitution one nucleotide upstream from coding exon 7 of the LZTR1 gene. This nucleotide position is highly conserved in available vertebrate species. In silico splice site analysis predicts that this alteration will weaken the native splice acceptor site. RNA studies have demonstrated that this alteration results in abnormal splicing in the set of samples tested (Ambry internal data). Another alteration impacting the same acceptor site (c.594-3C>G) has been shown to have a similar impact on splicing (Ambry internal data) and detected in a patient with schwannomatosis with loss of heterozygosity at the LZTR1 locus and a somatic NF2 mutation detected in a schwannoma (Piotrowski A et al. Nat Genet, 2014 Feb;46:182-7). Loss-of-function variants in LZTR1 are related to an increased risk for schwannomas and autosomal recessive Noonan syndrome; however, such associations with autosomal dominant Noonan syndrome have not been observed (Piotrowski A et al. Nat Genet. 2014 Feb;46:182-7; Yamamoto GL et al. J Med Genet. 2015 Jun;52:413-21; Johnston JJ et al. Genet Med. 2018 10;20:1175-1185). Based on the supporting evidence, this variant is pathogenic for an increased risk of LZTR1-related schwannomatosis (SWN) and would be expected to cause autosomal recessive Noonan syndrome when present along with a second pathogenic or likely pathogenic variant on the other allele; however, the association of this alteration with autosomal dominant Noonan syndrome is unlikely.

Juno Genomics, Hangzhou Juno Genomics, Inc
Classification: Likely pathogenic for LZTR1-related schwannomatosis; Noonan syndrome 10; Noonan syndrome 2. Review status: criteria provided, single submitter. Criteria: ACMG Guidelines, 2015. Collection method: clinical testing. Allele origin: germline.
Comment: Null variant in a gene where loss of function (LOF) is a known mechanism of disease.

Literature cited by the submitters: PubMed 16199547 (cited by Labcorp Genetics (formerly Invitae), Labcorp); PubMed 24362817 (cited by Labcorp Genetics (formerly Invitae), Labcorp); PubMed 25335493 (cited by Labcorp Genetics (formerly Invitae), Labcorp); PubMed 25480913 (cited by Labcorp Genetics (formerly Invitae), Labcorp); PubMed 25795793 (cited by Labcorp Genetics (formerly Invitae), Labcorp); PubMed 29469822 (cited by Labcorp Genetics (formerly Invitae), Labcorp); PubMed 30368668 (cited by Labcorp Genetics (formerly Invitae), Labcorp); PubMed 30442762 (cited by Labcorp Genetics (formerly Invitae), Labcorp); PubMed 30442766 (cited by Labcorp Genetics (formerly Invitae), Labcorp); PubMed 30481304 (cited by Labcorp Genetics (formerly Invitae), Labcorp); PubMed 30859559 (cited by Labcorp Genetics (formerly Invitae), Labcorp).